The following is an entry in ClinVar:

ClinVar aggregate classification (germline): Uncertain significance (1 of 4 stars; one submission).

Submission:

Labcorp Genetics (formerly Invitae), Labcorp
Classification: Uncertain significance. Last evaluated: 2025-10-07. Review status: criteria provided, single submitter. Criteria: Invitae Variant Classification Sherloc (09022015). Collection method: clinical testing. Allele origin: germline.
Comment: This sequence change replaces asparagine, which is neutral and polar, with histidine, which is basic and polar, at codon 351 of the JAK2 protein (p.Asn351His). This variant is not present in population databases (gnomAD no frequency). This variant has not been reported in the literature in individuals affected with JAK2-related conditions. Invitae Evidence Modeling of protein sequence and biophysical properties (such as structural, functional, and spatial information, amino acid conservation, physicochemical variation, residue mobility, and thermodynamic stability) indicates that this missense variant is not expected to disrupt JAK2 protein function with a negative predictive value of 80%. In summary, the available evidence is currently insufficient to determine the role of this variant in disease. Therefore, it has been classified as a Variant of Uncertain Significance.

NM_004972.4(JAK2):c.1051A>C (p.Asn351His)

Genes: INSL6 (insulin like 6; minus strand), JAK2 (Janus kinase 2; plus strand). Cytogenetic location: 9p24.1.
Variant type: single nucleotide variant.
Coding change: c.1051A>C on transcript NM_004972.4 (MANE Select); coding-DNA position 1051, A replaced by C.
Protein change: p.Asn351His; replaces asparagine 351 with histidine.
Molecular consequence: missense variant. On other transcripts: 5 prime UTR variant (2), non-coding transcript variant (2).
Genome position (GRCh38, 1-based): chr9:5,055,783, A>C. VCF-style: chr9-5055783-A-C. GRCh37 (hg19) VCF-style: chr9-5055783-A-C.
Other names: c.1051A>C, p.Asn351His (NM_001322194.2, NM_001322195.2, NM_001322196.2); c.-165A>C (NM_001322198.2, NM_001322199.2); c.604A>C, p.Asn202His (NM_001322204.2); short protein forms N351H, N202H.
Identifiers: ClinVar variation 4738385 (VCV004738385.1).